The following is an entry in ClinVar:

ClinVar aggregate classification (germline): Uncertain significance. Review status: criteria provided, multiple submitters, no conflicts (2 of 4 stars). 2 submissions from 2 submitters: Uncertain significance (2). Last evaluated 2026-02-01.

Conditions:
DNA ligase IV deficiency. Identifiers: Orphanet 99812, MedGen C1847827, MONDO:0011686, OMIM 606593.

Allele frequency attached by ClinVar (database versions not stated): TOPMed 0.00003; gnomAD 0.00004 and 0.00005; 1000 Genomes Project 0.00020; 1000 Genomes Project 30x 0.00031.
gnomAD v4.1: 223 of 1,614,096 alleles (0.014%); highest among the groups gnomAD compares: Non-Finnish European, 0.017%; 1 homozygote.

Submissions (2):

Labcorp Genetics (formerly Invitae), Labcorp
Classification: Uncertain significance for DNA ligase IV deficiency. Last evaluated: 2026-02-01. Review status: criteria provided, single submitter. Criteria: Invitae Variant Classification Sherloc (09022015). Collection method: clinical testing. Allele origin: germline.
Comment: This sequence change replaces alanine, which is neutral and non-polar, with threonine, which is neutral and polar, at codon 611 of the LIG4 protein (p.Ala611Thr). This variant is present in population databases (rs187323251, gnomAD 0.01%). This variant has not been reported in the literature in individuals affected with LIG4-related conditions. ClinVar contains an entry for this variant (Variation ID: 1047442). Invitae Evidence Modeling of protein sequence and biophysical properties (such as structural, functional, and spatial information, amino acid conservation, physicochemical variation, residue mobility, and thermodynamic stability) indicates that this missense variant is not expected to disrupt LIG4 protein function with a negative predictive value of 80%. In summary, the available evidence is currently insufficient to determine the role of this variant in disease. Therefore, it has been classified as a Variant of Uncertain Significance.

Blueprint Genetics
Classification: Uncertain significance. Last evaluated: 2024-09-21. Review status: criteria provided, single submitter. Criteria: ACMG Guidelines, 2015. Collection method: clinical testing. Allele origin: germline.

NM_206937.2(LIG4):c.1831G>A (p.Ala611Thr)

Gene: LIG4 (DNA ligase 4; minus strand). Cytogenetic location: 13q33.3.
Variant type: single nucleotide variant.
Coding change: c.1831G>A on transcript NM_206937.2 (MANE Select); coding-DNA position 1831, G replaced by A.
Protein change: p.Ala611Thr; replaces alanine 611 with threonine.
Molecular consequence: missense variant.
Genome position (GRCh38, 1-based): chr13:108,209,438, C>T on the plus strand (G>A on the coding strand, the complement: LIG4 is on the minus strand). VCF-style: chr13-108209438-C-T. GRCh37 (hg19) VCF-style: chr13-108861786-C-T.
Other names: c.1831G>A, p.Ala611Thr (NM_001098268.2, NM_001352598.2, NM_001352599.2 and 6 more transcripts); c.1630G>A, p.Ala544Thr (NM_001330595.2); c.1867G>A, p.Ala623Thr (NM_001352604.2); short protein forms A611T, A623T, A544T.
Identifiers: ClinVar variation 1047442 (VCV001047442.6), dbSNP rs187323251, ClinGen allele CA7043606.